The following is an entry in ClinVar:

ClinVar aggregate classification (germline): Conflicting classifications of pathogenicity. Review status: criteria provided, conflicting classifications (1 of 4 stars). 3 submissions from 3 submitters: Uncertain significance (2); Likely benign (1). Last evaluated 2026-01-01.

Conditions:
Ellis-van Creveld syndrome (EVC). Also called: MESOECTODERMAL DYSPLASIA; Chondroectodermal dysplasia. Identifiers: Orphanet 289, MedGen C0013903, MONDO:0009162, OMIM 225500.
Curry-Hall syndrome (WAD). Also called: WEYERS ACRODENTAL DYSOSTOSIS. Identifiers: Orphanet 952, MedGen C0457013, MONDO:0008673, OMIM 193530.

Allele frequency attached by ClinVar (database versions not stated): gnomAD 0.00002 and 0.00003; gnomAD exomes 0.00009 and 0.00021; TOPMed 0.00014; 1000 Genomes Project 30x 0.00016; 1000 Genomes Project 0.00020; ExAC 0.00021.
gnomAD v4.1: 60 of 1,614,196 alleles (0.0037%); highest among the groups gnomAD compares: Admixed American, 0.098%; 1 homozygote.

Submissions (3):

CeGaT Center for Human Genetics Tuebingen
Classification: Likely benign. Last evaluated: 2026-01-01. Review status: criteria provided, single submitter. Criteria: CeGaT Center For Human Genetics Tuebingen Variant Classification Criteria Version 2. Collection method: clinical testing. Allele origin: germline. Affected: yes. Observed: 1 variant allele.
Comment: EVC2: BS1

Labcorp Genetics (formerly Invitae), Labcorp
Classification: Uncertain significance for Curry-Hall syndrome; Ellis-van Creveld syndrome. Last evaluated: 2024-11-19. Review status: criteria provided, single submitter. Criteria: Invitae Variant Classification Sherloc (09022015). Collection method: clinical testing. Allele origin: germline.
Comment: This sequence change replaces alanine, which is neutral and non-polar, with serine, which is neutral and polar, at codon 523 of the EVC2 protein (p.Ala523Ser). This variant is present in population databases (rs200622704, gnomAD 0.1%), including at least one homozygous and/or hemizygous individual. This variant has not been reported in the literature in individuals affected with EVC2-related conditions. ClinVar contains an entry for this variant (Variation ID: 1302546). An algorithm developed to predict the effect of missense changes on protein structure and function (PolyPhen-2) suggests that this variant is likely to be disruptive. In summary, the available evidence is currently insufficient to determine the role of this variant in disease. Therefore, it has been classified as a Variant of Uncertain Significance.

GeneDx
Classification: Uncertain significance. Last evaluated: 2019-06-06. Review status: criteria provided, single submitter. Criteria: GeneDx Variant Classification Process June 2021. Collection method: clinical testing. Allele origin: germline. Affected: yes.
Comment: In silico analysis, which includes protein predictors and evolutionary conservation, supports that this variant does not alter protein structure/function; Has not been previously published as pathogenic or benign to our knowledge

NM_147127.5(EVC2):c.1567G>T (p.Ala523Ser)

Gene: EVC2 (EvC ciliary complex subunit 2; minus strand). Cytogenetic location: 4p16.2.
Variant type: single nucleotide variant.
Coding change: c.1567G>T on transcript NM_147127.5 (MANE Select); coding-DNA position 1567, G replaced by T.
Protein change: p.Ala523Ser; replaces alanine 523 with serine.
Molecular consequence: missense variant.
Genome position (GRCh38, 1-based): chr4:5,631,936, C>A on the plus strand (G>T on the coding strand, the complement: EVC2 is on the minus strand). VCF-style: chr4-5631936-C-A. GRCh37 (hg19) VCF-style: chr4-5633663-C-A.
Other names: c.1327G>T, p.Ala443Ser (NM_001166136.2); short protein forms A443S, A523S.
Identifiers: ClinVar variation 1302546 (VCV001302546.8), dbSNP rs200622704, ClinGen allele CA2835009.